The following is an entry in ClinVar:

NC_000007.13:g.(117305619_117306961)_(117308720_?)dup

Gene: CFTR (CF transmembrane conductance regulator; plus strand). Cytogenetic location: 7q31.2.
Variant type: Duplication.
Identifiers: ClinVar variation 2682339 (VCV002682339.1).

ClinVar aggregate classification (germline): Uncertain significance (1 of 4 stars; one submission).

Submission:

Women's Health and Genetics/Laboratory Corporation of America, LabCorp
Classification: Uncertain significance. Last evaluated: 2023-11-06. Review status: criteria provided, single submitter. Criteria: LabCorp Variant Classification Summary - May 2015. Collection method: clinical testing. Allele origin: germline.
Comment: Variant summary: The variant involves the duplication of exons 27 in the CFTR gene. A presumed nomenclature of c.(4242+1_4243-1)_(*1558_?)dup has been designated for the purposes of this classification. The exact breakpoint at the 3' end of this variant is unknown, therefore this duplication may extend downstream of the annotated region of the gene. As it duplicates the termination codon, its effect on the encoded protein is unknown. The variant was absent in 21694 control chromosomes. The available data on variant occurrences in the general population are insufficient to allow any conclusion about variant significance. To our knowledge, no occurrence of c.(4242+1_4243-1)_(*1558_?)dup in individuals affected with Cystic Fibrosis and no experimental evidence demonstrating its impact on protein function have been reported. No submitters have cited clinical-significance assessments for this variant to ClinVar after 2014. Based on the evidence outlined above, the variant was classified as uncertain significance.